The following is an entry in ClinVar:

NM_004453.4(ETFDH):c.1325C>T (p.Ser442Leu)

Gene: ETFDH (electron transfer flavoprotein dehydrogenase; plus strand). Cytogenetic location: 4q32.1.
Variant type: single nucleotide variant.
Coding change: c.1325C>T on transcript NM_004453.4 (MANE Select); coding-DNA position 1325, C replaced by T.
Protein change: p.Ser442Leu; replaces serine 442 with leucine.
Molecular consequence: missense variant.
Genome position (GRCh38, 1-based): chr4:158,706,228, C>T. VCF-style: chr4-158706228-C-T. GRCh37 (hg19) VCF-style: chr4-159627380-C-T.
Other names: c.1184C>T, p.Ser395Leu (NM_001281737.2); c.1142C>T, p.Ser381Leu (NM_001281738.1); c.1325C>T (NM_004453.2); short protein forms S442L, S381L, S395L.
Identifiers: ClinVar variation 522660 (VCV000522660.7), dbSNP rs1442766122, ClinGen allele CA358563759.

ClinVar aggregate classification (germline): Conflicting classifications of pathogenicity. Review status: criteria provided, conflicting classifications (1 of 4 stars). 4 submissions from 4 submitters: Likely pathogenic (2); Uncertain significance (2). Last evaluated 2025-05-01.

Conditions:
Multiple acyl-CoA dehydrogenase deficiency (MADD). Also called: Glutaric aciduria, type 2; Glutaric Acidemia type 2; ETHYLMALONIC-ADIPICACIDURIA; GA II; Glutaric acidemia type II; GA 2. Identifiers: Orphanet 26791, MedGen C0268596, MONDO:0009282, OMIM 231680.

Allele frequency attached by ClinVar (database versions not stated): gnomAD exomes below 0.00001 and 0.00001.
gnomAD v4.1: 4 of 1,612,596 alleles (0.00025%); highest among the groups gnomAD compares: South Asian, 0.0044%; no homozygotes.

Submissions (4):

Labcorp Genetics (formerly Invitae), Labcorp
Classification: Likely pathogenic for Multiple acyl-CoA dehydrogenase deficiency. Last evaluated: 2025-05-01. Review status: criteria provided, single submitter. Criteria: Invitae Variant Classification Sherloc (09022015). Collection method: clinical testing. Allele origin: germline.
Comment: This sequence change replaces serine, which is neutral and polar, with leucine, which is neutral and non-polar, at codon 442 of the ETFDH protein (p.Ser442Leu). This variant is present in population databases (no rsID available, gnomAD 0.003%). This missense change has been observed in individuals with Multiple Acyl-CoA dehydrogenase deficiency (MADD) (PMID: 33473335, 34573316; Internal data). ClinVar contains an entry for this variant (Variation ID: 522660). Invitae Evidence Modeling of protein sequence and biophysical properties (such as structural, functional, and spatial information, amino acid conservation, physicochemical variation, residue mobility, and thermodynamic stability) indicates that this missense variant is expected to disrupt ETFDH protein function with a positive predictive value of 80%. In summary, the currently available evidence indicates that the variant is pathogenic, but additional data are needed to prove that conclusively. Therefore, this variant has been classified as Likely Pathogenic.

Variantyx, Inc.
Classification: Likely pathogenic for Multiple acyl-CoA dehydrogenase deficiency. Last evaluated: 2025-03-26. Review status: criteria provided, single submitter. Criteria: Variantyx Assertion Criteria 2022. Collection method: clinical testing. Allele origin: germline. Affected: yes.
Comment: This is a nonsynonymous variant in the ETFDH gene (OMIM: 231675). Pathogenic variants in this gene have been associated with autosomal recessive glutaric acidemia IIC. This variant lies within a known hotspot for pathogenic variants or a well-established critical functional domain of the ETFDH protein (PMID: 34573316) (PM1). Multiple computational algorithms predict a deleterious effect for this variant (REVEL score: 0.922) (PP3_Moderate). This variant has a 0.0057% maximum allele frequency in non-founder control populations (PM2_Supporting). Based on the current evidence, this variant is classified as likely pathogenic for autosomal recessive glutaric acidemia IIC.

GeneDx
Classification: Uncertain significance. Last evaluated: 2025-03-19. Review status: criteria provided, single submitter. Criteria: GeneDx Variant Classification Process June 2021. Collection method: clinical testing. Allele origin: germline. Affected: yes.
Comment: In silico analysis supports that this missense variant has a deleterious effect on protein structure/function; Not observed at significant frequency in large population cohorts (gnomAD); This variant is associated with the following publications: (PMID: 33473335, 34573316)

Genomic Research Center, Shahid Beheshti University of Medical Sciences
Classification: Uncertain significance. Last evaluated: 2020-05-03. Review status: criteria provided, single submitter. Criteria: ACMG Guidelines, 2015. Collection method: clinical testing. Allele origin: unknown. Affected: no.

Literature cited by the submitters: PubMed 33473335 (cited by Labcorp Genetics (formerly Invitae), Labcorp); PubMed 34573316 (cited by Labcorp Genetics (formerly Invitae), Labcorp).